The following is an entry in ClinVar:

ClinVar aggregate classification (germline): Uncertain significance. Review status: criteria provided, single submitter (1 of 4 stars). 2 submissions from 2 submitters: Uncertain significance (1). 1 of the submissions does not count toward it. Last evaluated 2025-07-01.

Conditions:
Tip-toe gait. Also called: Toe walking. Identifiers: MedGen C0427144, HP:0030051.

Allele frequency attached by ClinVar (database versions not stated): gnomAD exomes 0.00001.

Submissions (2):

CeGaT Center for Human Genetics Tuebingen
Classification: Uncertain significance. Last evaluated: 2025-07-01. Review status: criteria provided, single submitter. Criteria: CeGaT Center For Human Genetics Tuebingen Variant Classification Criteria Version 2. Collection method: clinical testing. Allele origin: germline. Affected: yes. Observed: 1 variant allele.
Comment: NEFL: PM2

Practice for Gait Abnormalities, David Pomarino, Competency Network Toe Walking C/o Practice Pomarino
Classification: Likely pathogenic for Tip-toe gait. Last evaluated: 2021-09-08. Review status: flagged submission. Collection method: clinical testing. Allele origin: germline. Affected: yes. Not counted in ClinVar's aggregate classification.
Comment: Hereditary motor sensory neuropathy (HMSN), also known as Charcot-Marie-Tooth Disease (CMT), is the most commonly inherited peripheral polyneuropathy. It constitutes a group of inherited, progressive, motor and sensory peripheral nerve disorders with properties of demyelination, axonal degeneration, or both. It is classified by clinical characteristics, modes of inheritance, electrophysiologic features, metabolic defects, and specific gene markers. Our patients all walk on tiptoe, so they show similar symptoms. When we genetically test them with our toe walking panel, we find that around 90 per cent of them have a genetic variant that explains their toe walking. These can be assigned, for example, to the area of myopathies (such as variants of the COL6A3 gene), the area of hereditary neuropathies (such as variants of the KMT2C gene) or the area of metabolic diseases (such as variants of the PYGM gene). In a smaller group of patients with almost identical symptoms, no abnormality is found in the genes of our panel, but spastic paraplegia can be detected. In another small group of our toe walkers, no abnormalities can be detected in the genes analysed in our toe walking panel, nor do they suffer from spastic paraplegia, as is also the case with healthy children. In contrast to these, however, they show a tiptoe gait. These patients suffer from infantile cerebral palsy, in which toe walking can also be observed.
ClinVar note: Notes: This gene has insufficient supporting evidence for isolated Tip-Toe Gait.
ClinVar note: Reason: Claim with insufficient supporting evidence

Literature cited by the submitters: PubMed 37091313 (cited by Practice for Gait Abnormalities, David Pomarino, Competency Network Toe Walking C/o Practice Pomarino).

NM_006158.5(NEFL):c.400C>T (p.Arg134Cys)

Gene: NEFL (neurofilament light chain; minus strand). Cytogenetic location: 8p21.2.
Variant type: single nucleotide variant.
Coding change: c.400C>T on transcript NM_006158.5 (MANE Select); coding-DNA position 400, C replaced by T.
Protein change: p.Arg134Cys; replaces arginine 134 with cysteine.
Molecular consequence: missense variant.
Genome position (GRCh38, 1-based): chr8:24,956,116, G>A on the plus strand (C>T on the coding strand, the complement: NEFL is on the minus strand). VCF-style: chr8-24956116-G-A. GRCh37 (hg19) VCF-style: chr8-24813630-G-A.
Other names: short protein forms R134C.
Identifiers: ClinVar variation 2574703 (VCV002574703.12), dbSNP rs1010413936, ClinGen allele CA370622525.